The following is an entry in ClinVar:

NM_001211.6(BUB1B):c.2071T>C (p.Ser691Pro)

Gene: BUB1B (BUB1 mitotic checkpoint serine/threonine kinase B; plus strand). Cytogenetic location: 15q15.1.
Variant type: single nucleotide variant.
Coding change: c.2071T>C on transcript NM_001211.6 (MANE Select); coding-DNA position 2071, T replaced by C.
Protein change: p.Ser691Pro; replaces serine 691 with proline.
Molecular consequence: missense variant.
Genome position (GRCh38, 1-based): chr15:40,208,698, T>C. VCF-style: chr15-40208698-T-C. GRCh37 (hg19) VCF-style: chr15-40500899-T-C.
Other names: short protein forms S691P.
Identifiers: ClinVar variation 3221375 (VCV003221375.1), dbSNP rs754203479, ClinGen allele CA7475943.

ClinVar aggregate classification (germline): Uncertain significance (1 of 4 stars; one submission).

Conditions:
Inborn genetic diseases. Identifiers: MedGen C0950123, MeSH D030342.

Allele frequency attached by ClinVar (database versions not stated): gnomAD exomes below 0.00001; TOPMed below 0.00001; ExAC 0.00001; gnomAD 0.00001.
gnomAD v4.1: 3 of 1,613,776 alleles (0.00019%); highest among the groups gnomAD compares: Non-Finnish European, 0.00025%; no homozygotes.

Submission:

Ambry Genetics
Classification: Uncertain significance for Inborn genetic diseases. Last evaluated: 2024-02-20. Review status: criteria provided, single submitter. Criteria: Ambry Variant Classification Scheme 2023. Collection method: clinical testing. Allele origin: germline.
Comment: The p.S691P variant (also known as c.2071T>C), located in coding exon 16 of the BUB1B gene, results from a T to C substitution at nucleotide position 2071. The serine at codon 691 is replaced by proline, an amino acid with similar properties. This amino acid position is conserved. In addition, this alteration is predicted to be tolerated by in silico analysis. Based on the available evidence, the clinical significance of this alteration remains unclear.